The following is an entry in ClinVar:

ClinVar aggregate classification (germline): Pathogenic. Review status: criteria provided, multiple submitters, no conflicts (2 of 4 stars). 2 submissions from 2 submitters: Pathogenic (2). Last evaluated 2023-08-15.

Conditions:
Lynch syndrome 5 (LYNCH5). Also called: Colorectal cancer, hereditary nonpolyposis, type 5; Hereditary non-polyposis colorectal cancer, type 5. Identifiers: Orphanet 144, MedGen C1833477, MONDO:0013710, OMIM 614350. Disease mechanism: loss of function.

Submissions (2):

Myriad Genetics, Inc.
Classification: Pathogenic for Lynch syndrome 5. Last evaluated: 2023-08-15. Review status: criteria provided, single submitter. Criteria: Myriad Autosomal Dominant, Autosomal Recessive and X-Linked Classification Criteria (2023). Collection method: clinical testing. Allele origin: unknown.
Comment: This variant is considered pathogenic. This variant creates a frameshift predicted to result in premature protein truncation.

GeneDx
Classification: Pathogenic. Last evaluated: 2017-04-13. Review status: criteria provided, single submitter. Criteria: GeneDx Variant Classification (06012015). Collection method: clinical testing. Allele origin: germline. Affected: yes.
Comment: This insertion of one nucleotide in MSH6 is denoted c.1762_1763insT at the cDNA level and p.His588LeufsX10 (H588LfsX10) at the protein level. The normal sequence, with the base that is inserted in brackets, is GCAC[insT]ACTA. The insertion causes a frameshift which changes a Histidine to a Leucine at codon 588, and creates a premature stop codon at position 10 of the new reading frame. Although this variant has not, to our knowledge, been reported in the literature, it is predicted to cause loss of normal protein function through either protein truncation or nonsense-mediated mRNA decay. We consider this variant to be pathogenic.

NM_000179.3(MSH6):c.1762_1763insT (p.His588fs)

Gene: MSH6 (mutS homolog 6; plus strand). Cytogenetic location: 2p16.3.
Variant type: Insertion.
Coding change: c.1762_1763insT on transcript NM_000179.3 (MANE Select); coding-DNA positions 1762 to 1763, T inserted.
Protein change: p.His588fs; shifts the reading frame from histidine 588.
Molecular consequence: frameshift variant.
Genome position: GRCh38 VCF-style: chr2-47799745-C-CT. GRCh37 (hg19) VCF-style: chr2-48026884-C-CT.
Other names: c.1372_1373insT, p.His458fs (NM_001281492.2); c.856_857insT, p.His286fs (NM_001281493.2, NM_001281494.2); short protein forms H458fs, H588fs, H286fs.
Identifiers: ClinVar variation 545779 (VCV000545779.3), dbSNP rs1553413138, ClinGen allele CA658822256.